The following is an entry in ClinVar:

ClinVar aggregate classification (germline): Uncertain significance (1 of 4 stars; one submission).

Submission:

CeGaT Center for Human Genetics Tuebingen
Classification: Uncertain significance. Last evaluated: 2023-05-01. Review status: criteria provided, single submitter. Criteria: CeGaT Center For Human Genetics Tuebingen Variant Classification Criteria Version 2. Collection method: clinical testing. Allele origin: germline. Affected: yes. Observed: 1 variant allele.
Comment: CUX1: PM2

NM_181552.4(CUX1):c.551T>G (p.Met184Arg)

Gene: CUX1 (cut like homeobox 1; plus strand). Cytogenetic location: 7q22.1.
Variant type: single nucleotide variant.
Coding change: c.551T>G on transcript NM_181552.4 (MANE Select); coding-DNA position 551, T replaced by G.
Protein change: p.Met184Arg; replaces methionine 184 with arginine.
Molecular consequence: missense variant.
Genome position (GRCh38, 1-based): chr7:102,111,718, T>G. VCF-style: chr7-102111718-T-G. GRCh37 (hg19) VCF-style: chr7-101754998-T-G.
Other names: c.584T>G, p.Met195Arg (NM_001202543.2, NM_001913.5, NM_181500.4); c.536T>G, p.Met179Arg (NM_001202544.3); c.446T>G, p.Met149Arg (NM_001202545.3); c.473T>G, p.Met158Arg (NM_001202546.3); short protein forms M149R, M158R, M179R, M184R, M195R.
Identifiers: ClinVar variation 2657860 (VCV002657860.24), dbSNP rs2536825336, ClinGen allele CA368665971.